The following is an entry in ClinVar:

ClinVar aggregate classification (germline): Uncertain significance (1 of 4 stars; one submission).

Conditions:
Primary ciliary dyskinesia. Also called: Ciliary dyskinesia. Identifiers: Orphanet 244, MedGen C0008780, MONDO:0016575, HP:0012265.

gnomAD v4.1: 26 of 1,614,006 alleles (0.0016%); highest among the groups gnomAD compares: Non-Finnish European, 0.0021%; no homozygotes.

Submission:

Ambry Genetics
Classification: Uncertain significance for Primary ciliary dyskinesia. Last evaluated: 2025-10-29. Review status: criteria provided, single submitter. Criteria: Ambry Variant Classification Scheme 2023. Collection method: clinical testing. Allele origin: germline.
Comment: The p.G1971R variant (also known as c.5911G>C), located in coding exon 36 of the DNAH5 gene, results from a G to C substitution at nucleotide position 5911. The glycine at codon 1971 is replaced by arginine, an amino acid with dissimilar properties. This amino acid position is conserved. In addition, the in silico prediction for this alteration is inconclusive. Based on the available evidence, the clinical significance of this variant remains unclear.

NM_001369.3(DNAH5):c.5911G>C (p.Gly1971Arg)

Gene: DNAH5 (dynein axonemal heavy chain 5; minus strand). Cytogenetic location: 5p15.2.
Variant type: single nucleotide variant.
Coding change: c.5911G>C on transcript NM_001369.3 (MANE Select); coding-DNA position 5911, G replaced by C.
Protein change: p.Gly1971Arg; replaces glycine 1971 with arginine.
Molecular consequence: missense variant.
Genome position (GRCh38, 1-based): chr5:13,830,747, C>G on the plus strand (G>C on the coding strand, the complement: DNAH5 is on the minus strand). VCF-style: chr5-13830747-C-G. GRCh37 (hg19) VCF-style: chr5-13830856-C-G.
Other names: short protein forms G1971R.
Identifiers: ClinVar variation 4623734 (VCV004623734.1).
Genomic context (GRCh38, chr5:13,830,747, plus strand): 5'-TAGTGGTTTCTGTTTTGCCTGTGCCTGCAGGTCCAGCAGGGGCTCCCCCCATGCTCATTC[C>G]CAGAGCTTGAGCCAGCGTGATGTAACATCTGCATGGGTAGAAACATCACTAGAACCAGCC-3'
Protein context (NP_001360.1, residues 1961-1981): RCYITLAQAL[Gly1971Arg]MSMGGAPAGP